The following is an entry in ClinVar:

NM_017570.5(OPLAH):c.2693C>T (p.Thr898Met)

Gene: OPLAH (5-oxoprolinase, ATP-hydrolysing; minus strand). Cytogenetic location: 8q24.3.
Variant type: single nucleotide variant.
Coding change: c.2693C>T on transcript NM_017570.5 (MANE Select); coding-DNA position 2693, C replaced by T.
Protein change: p.Thr898Met; replaces threonine 898 with methionine.
Molecular consequence: missense variant.
Genome position (GRCh38, 1-based): chr8:144,053,387, G>A on the plus strand (C>T on the coding strand, the complement: OPLAH is on the minus strand). VCF-style: chr8-144053387-G-A. GRCh37 (hg19) VCF-style: chr8-145108290-G-A.
Other names: c.2693C>T (NM_017570.3); short protein forms T898M.
Identifiers: ClinVar variation 1057349 (VCV001057349.4), dbSNP rs199829912, ClinGen allele CA4931361.

ClinVar aggregate classification (germline): Uncertain significance. Review status: criteria provided, multiple submitters, no conflicts (2 of 4 stars). 2 submissions from 2 submitters: Uncertain significance (2). Last evaluated 2022-08-17.

Conditions:
5-Oxoprolinase deficiency (OPLAHD). Also called: 5-OXOPROLINURIA DUE TO 5-OXOPROLINASE DEFICIENCY. Identifiers: Orphanet 33572, MedGen C0268525, MONDO:0009825, OMIM 260005, HP:0040142.

Allele frequency attached by ClinVar (database versions not stated): gnomAD exomes 0.00014 and 0.00036; 1000 Genomes Project 0.00020; gnomAD 0.00021 and 0.00024; 1000 Genomes Project 30x 0.00031; ExAC 0.00034; ESP Exome Variant Server 0.00040; TOPMed 0.00044.

Submissions (2):

Labcorp Genetics (formerly Invitae), Labcorp
Classification: Uncertain significance for 5-Oxoprolinase deficiency. Last evaluated: 2022-08-17. Review status: criteria provided, single submitter. Criteria: Invitae Variant Classification Sherloc (09022015). Collection method: clinical testing. Allele origin: germline.
Comment: This sequence change replaces threonine, which is neutral and polar, with methionine, which is neutral and non-polar, at codon 898 of the OPLAH protein (p.Thr898Met). This variant is present in population databases (rs199829912, gnomAD 0.2%). This variant has not been reported in the literature in individuals affected with OPLAH-related conditions. ClinVar contains an entry for this variant (Variation ID: 1057349). Algorithms developed to predict the effect of missense changes on protein structure and function are either unavailable or do not agree on the potential impact of this missense change (SIFT: "Not Available"; PolyPhen-2: "Possibly Damaging"; Align-GVGD: "Not Available"). In summary, the available evidence is currently insufficient to determine the role of this variant in disease. Therefore, it has been classified as a Variant of Uncertain Significance.

Ambry Genetics
Classification: Uncertain significance. Last evaluated: 2022-01-10. Review status: criteria provided, single submitter. Criteria: Ambry Variant Classification Scheme 2023. Collection method: clinical testing. Allele origin: germline.